The following is an entry in ClinVar:

NM_005562.3(LAMC2):c.3367C>T (p.Leu1123=)

Gene: LAMC2 (laminin subunit gamma 2; plus strand). Cytogenetic location: 1q25.3.
Variant type: single nucleotide variant.
Coding change: c.3367C>T on transcript NM_005562.3 (MANE Select); coding-DNA position 3367, C replaced by T.
Protein change: p.Leu1123=; no amino-acid change (leucine 1123 retained).
Molecular consequence: synonymous variant.
Genome position (GRCh38, 1-based): chr1:183,243,185, C>T. VCF-style: chr1-183243185-C-T. GRCh37 (hg19) VCF-style: chr1-183212320-C-T.
Identifiers: ClinVar variation 259788 (VCV000259788.16), dbSNP rs587281, ClinGen allele CA1283244.
Genomic context (GRCh38, chr1:183,243,185, plus strand): 5'-TGTGTCTCATTCCTTGAAATAGACCAGCCTCTCAGTGTAGATGAAGAGGGGCTGGTCTTA[C>T]TGGAGCAGAAGCTTTCCCGAGCCAAGACCCAGATCAACAGCCAACTGCGGCCCATGATGT-3'
Protein context (NP_005553.2, residues 1113-1133): LSVDEEGLVL[Leu1123=]EQKLSRAKTQ

ClinVar aggregate classification (germline): Benign. Review status: criteria provided, multiple submitters, no conflicts (2 of 4 stars). 5 submissions from 5 submitters: Benign (5). Last evaluated 2026-02-04.

Conditions:
Junctional epidermolysis bullosa. Identifiers: Orphanet 305, MedGen C0079301, MONDO:0017612.

Allele frequency attached by ClinVar (database versions not stated): ExAC 0.01070; 1000 Genomes Project 0.03874; ESP Exome Variant Server 0.04098; TOPMed 0.04107; gnomAD 0.03867; 1000 Genomes Project 30x 0.04341.
gnomAD v4.1: 11,483 of 1,582,926 alleles (0.73%); highest among the groups gnomAD compares: African/African-American, 14%; 619 homozygotes.

Submissions (5):

Labcorp Genetics (formerly Invitae), Labcorp
Classification: Benign. Last evaluated: 2026-02-04. Review status: criteria provided, single submitter. Criteria: Invitae Variant Classification Sherloc (09022015). Collection method: clinical testing. Allele origin: germline.

GeneDx
Classification: Benign. Last evaluated: 2019-01-02. Review status: criteria provided, single submitter. Criteria: GeneDx Variant Classification Process June 2021. Collection method: clinical testing. Allele origin: germline. Affected: yes.

Illumina Laboratory Services, Illumina
Classification: Benign for Junctional epidermolysis bullosa. Last evaluated: 2018-01-12. Review status: criteria provided, single submitter. Criteria: ICSL Variant Classification Criteria 13 December 2019. Collection method: clinical testing. Allele origin: germline.
Comment: This variant was observed in the ICSL laboratory as part of a predisposition screen in an ostensibly healthy population. It had not been previously curated by ICSL or reported in the Human Gene Mutation Database (HGMD: prior to June 1st, 2018), and was therefore a candidate for classification through an automated scoring system. Utilizing variant allele frequency, disease prevalence and penetrance estimates, and inheritance mode, an automated score was calculated to assess if this variant is too frequent to cause the disease. Based on the score and internal cut-off values, a variant classified as benign is not then subjected to further curation. The score for this variant resulted in a classification of benign for this disease.

Breakthrough Genomics
Classification: Benign. Review status: criteria provided, single submitter. Criteria: ACMG Guidelines, 2015. Collection method: not provided. Allele origin: germline. Inheritance: Autosomal recessive inheritance. Affected: yes.

PreventionGenetics, part of Exact Sciences
Classification: Benign. Review status: criteria provided, single submitter. Criteria: ACMG Guidelines, 2015. Collection method: clinical testing. Allele origin: germline.